The following is an entry in ClinVar:

NM_004994.3(MMP9):c.200T>C (p.Leu67Pro)

Gene: MMP9 (matrix metallopeptidase 9; plus strand). Cytogenetic location: 20q13.12.
Variant type: single nucleotide variant.
Coding change: c.200T>C on transcript NM_004994.3 (MANE Select); coding-DNA position 200, T replaced by C.
Protein change: p.Leu67Pro; replaces leucine 67 with proline.
Molecular consequence: missense variant.
Genome position (GRCh38, 1-based): chr20:46,009,927, T>C. VCF-style: chr20-46009927-T-C. GRCh37 (hg19) VCF-style: chr20-44638566-T-C.
Other names: short protein forms L67P.
Identifiers: ClinVar variation 3606405 (VCV003606405.2).

ClinVar aggregate classification (germline): Uncertain significance (1 of 4 stars; one submission).

gnomAD v4.1: 2 of 1,552,266 alleles (0.00013%); highest among the groups gnomAD compares: Admixed American, 0.0039%; no homozygotes.

Submission:

Labcorp Genetics (formerly Invitae), Labcorp
Classification: Uncertain significance. Last evaluated: 2024-07-17. Review status: criteria provided, single submitter. Criteria: Invitae Variant Classification Sherloc (09022015). Collection method: clinical testing. Allele origin: germline.
Comment: This sequence change replaces leucine, which is neutral and non-polar, with proline, which is neutral and non-polar, at codon 67 of the MMP9 protein (p.Leu67Pro). The frequency data for this variant in the population databases is considered unreliable, as metrics indicate poor data quality at this position in the gnomAD database. This variant has not been reported in the literature in individuals affected with MMP9-related conditions. Advanced modeling of protein sequence and biophysical properties (such as structural, functional, and spatial information, amino acid conservation, physicochemical variation, residue mobility, and thermodynamic stability) performed at Invitae indicates that this missense variant is not expected to disrupt MMP9 protein function with a negative predictive value of 80%. In summary, the available evidence is currently insufficient to determine the role of this variant in disease. Therefore, it has been classified as a Variant of Uncertain Significance.